The following is an entry in ClinVar:

NM_016169.4(SUFU):c.756A>C (p.Gln252His)

Gene: SUFU (SUFU negative regulator of hedgehog signaling; plus strand). Cytogenetic location: 10q24.32.
Variant type: single nucleotide variant.
Coding change: c.756A>C on transcript NM_016169.4 (MANE Select); coding-DNA position 756, A replaced by C.
Protein change: p.Gln252His; replaces glutamine 252 with histidine.
Molecular consequence: missense variant.
Genome position (GRCh38, 1-based): chr10:102,594,065, A>C. VCF-style: chr10-102594065-A-C. GRCh37 (hg19) VCF-style: chr10-104353822-A-C.
Other names: c.756A>C, p.Gln252His (NM_001178133.2); short protein forms Q252H.
Identifiers: ClinVar variation 827127 (VCV000827127.8), dbSNP rs1317467424, ClinGen allele CA377909956.
Genomic context (GRCh38, chr10:102,594,065, plus strand): 5'-CTGGCTGATAACTGACATGCGGAGGGGAGAGACCATATTTGAGATCGATCCACACCTGCA[A>C]GTATGTCTTGAGTGAGGAAAACCTTTCTAGCACCCTGTGCCTAGGCCTCTTCCAAATAAC-3'
Protein context (NP_057253.2, residues 242-262): ETIFEIDPHL[Gln252His]ERVDKGIETD

ClinVar aggregate classification (germline): Uncertain significance. Review status: criteria provided, multiple submitters, no conflicts (2 of 4 stars). 2 submissions from 2 submitters: Uncertain significance (2). Last evaluated 2025-01-19.

Conditions:
Gorlin syndrome. Also called: Nevoid Basal Cell Carcinoma Syndrome; Basal cell nevus syndrome. Identifiers: Orphanet 377, MedGen C0004779, MONDO:0007187.
Medulloblastoma (MDB). Also called: MEDULLOBLASTOMA PREDISPOSITION SYNDROME; Medulloblastoma, somatic. Identifiers: Orphanet 616, MedGen C0025149, MeSH D008527, MONDO:0007959, OMIM 155255, HP:0002885.
Hereditary cancer-predisposing syndrome. Also called: Neoplastic Syndromes, Hereditary; Hereditary Cancer Syndrome; Hereditary neoplastic syndrome; Tumor predisposition. Identifiers: Orphanet 140162, MedGen C0027672, MeSH D009386, MONDO:0015356.

gnomAD v4.1: 1 of 1,614,064 alleles (0.000062%); highest among the groups gnomAD compares: Admixed American, 0.0017%; no homozygotes.

Submissions (2):

Ambry Genetics
Classification: Uncertain significance for Hereditary cancer-predisposing syndrome. Last evaluated: 2025-01-19. Review status: criteria provided, single submitter. Criteria: Ambry Variant Classification Scheme 2023. Collection method: clinical testing. Allele origin: germline.
Comment: The c.756A>C variant (also known as p.Q252H), located in coding exon 6 of the SUFU gene, results from an A to C substitution at nucleotide position 756. The amino acid change results in glutamine to histidine at codon 252, an amino acid with highly similar properties. However, this change occurs in the last base pair of coding exon 6, which makes it likely to have some effect on normal mRNA splicing. This nucleotide position is highly conserved in available vertebrate species. This amino acid position is highly conserved in available vertebrate species. In silico splice site analysis for this alteration is inconclusive. In addition, this alteration is predicted to be tolerated by in silico analysis. RNA studies have demonstrated this alteration does not result in abnormal splicing in the set of samples tested (Ambry internal data). Based on the available evidence, the clinical significance of this variant remains unclear.

Labcorp Genetics (formerly Invitae), Labcorp
Classification: Uncertain significance for Gorlin syndrome; Medulloblastoma. Last evaluated: 2023-04-11. Review status: criteria provided, single submitter. Criteria: Invitae Variant Classification Sherloc (09022015). Collection method: clinical testing. Allele origin: germline.
Comment: ClinVar contains an entry for this variant (Variation ID: 827127). This variant has not been reported in the literature in individuals affected with SUFU-related conditions. This variant is present in population databases (no rsID available, gnomAD 0.003%). This sequence change replaces glutamine, which is neutral and polar, with histidine, which is basic and polar, at codon 252 of the SUFU protein (p.Gln252His). An algorithm developed to predict the effect of missense changes on protein structure and function (PolyPhen-2) suggests that this variant is likely to be tolerated. In summary, the available evidence is currently insufficient to determine the role of this variant in disease. Therefore, it has been classified as a Variant of Uncertain Significance.

Literature cited by the submitters: PubMed 25287320 (cited by Ambry Genetics).